The following is an entry in ClinVar:

NM_001134831.2(AHI1):c.10+115C>A

Gene: AHI1 (Abelson helper integration site 1; minus strand). Cytogenetic location: 6q23.3.
Variant type: single nucleotide variant.
Coding change: c.10+115C>A on transcript NM_001134831.2 (MANE Select); 115 bases into the intron after coding-DNA position 10, C replaced by A.
Molecular consequence: intron variant.
Genome position (GRCh38, 1-based): chr6:135,492,113, G>T on the plus strand (C>A on the coding strand, the complement: AHI1 is on the minus strand). VCF-style: chr6-135492113-G-T. GRCh37 (hg19) VCF-style: chr6-135813251-G-T.
Other names: c.10+115C>A (NM_001134830.2, NM_001350503.2, NM_017651.5 and 2 more transcripts).
Identifiers: ClinVar variation 673960 (VCV000673960.4), dbSNP rs9402709, ClinGen allele CA148125601.

ClinVar aggregate classification (germline): Benign. Review status: criteria provided, multiple submitters, no conflicts (2 of 4 stars). 2 submissions from 2 submitters: Benign (2). Last evaluated 2021-07-14.

Conditions:
Joubert syndrome 3 (JBTS3). Also called: AHI1-related Ciliopathy. Identifiers: Orphanet 220493, MedGen C1837713, MONDO:0012078, OMIM 608629.

Allele frequency attached by ClinVar (database versions not stated): 1000 Genomes Project 30x 0.70846; 1000 Genomes Project 0.71765; TOPMed 0.71857; gnomAD 0.73311 and 0.74546; gnomAD exomes 0.90070.
gnomAD v4.1: 574,108 of 664,456 alleles (86%); highest among the groups gnomAD compares: East Asian, 92%; 257,195 homozygotes.

Submissions (2):

Genome-Nilou Lab
Classification: Benign for Joubert syndrome 3. Last evaluated: 2021-07-14. Review status: criteria provided, single submitter. Criteria: ACMG Guidelines, 2015. Collection method: clinical testing. Allele origin: germline. Affected: no.

GeneDx
Classification: Benign. Last evaluated: 2018-06-14. Review status: criteria provided, single submitter. Criteria: GeneDx Variant Classification (06012015). Collection method: clinical testing. Allele origin: germline. Affected: yes.
Comment: This variant is considered likely benign or benign based on one or more of the following criteria: it is a conservative change, it occurs at a poorly conserved position in the protein, it is predicted to be benign by multiple in silico algorithms, and/or has population frequency not consistent with disease.